The following is an entry in ClinVar:

ClinVar aggregate classification (germline): Conflicting classifications of pathogenicity. Review status: criteria provided, conflicting classifications (1 of 4 stars). 3 submissions from 3 submitters: Likely pathogenic (1); Uncertain significance (1). 1 of the submissions does not count toward it. Last evaluated 2023-05-17.

Conditions:
Polycystic kidney disease 4 (PKD4). Also called: POLYCYSTIC KIDNEY DISEASE 4 WITH OR WITHOUT POLYCYSTIC LIVER DISEASE; POLYCYSTIC KIDNEY AND HEPATIC DISEASE 1; POLYCYSTIC KIDNEY DISEASE, INFANTILE, TYPE I; PKD3; Autosomal Recessive Polycystic Kidney Disease – PKHD1. Identifiers: MedGen C4540575, MONDO:0033004, OMIM 263200.

Allele frequency attached by ClinVar (database versions not stated): gnomAD exomes 0.00001.
gnomAD v4.1: 22 of 1,614,100 alleles (0.0014%); highest among the groups gnomAD compares: Non-Finnish European, 0.0018%; no homozygotes.

Submissions (3):

GeneDx
Classification: Likely pathogenic. Last evaluated: 2023-05-17. Review status: criteria provided, single submitter. Criteria: GeneDx Variant Classification Process June 2021. Collection method: clinical testing. Allele origin: germline. Affected: yes.
Comment: Reported without a second variant in a patient with polycystic kidney disease in published literature (Furu et al., 2003); Not observed at significant frequency in large population cohorts (gnomAD); In silico analysis supports that this missense variant has a deleterious effect on protein structure/function; This variant is associated with the following publications: (PMID: 14741187, 12874454)

Eurofins Ntd Llc (ga)
Classification: Uncertain significance. Last evaluated: 2018-04-27. Review status: criteria provided, single submitter. Criteria: EGL ClinVar v180209 classification definitions. Collection method: clinical testing. Allele origin: germline. Observed: 2 variant alleles, 2 heterozygotes.

Counsyl
Classification: Uncertain significance for Polycystic kidney disease 4. Last evaluated: 2017-05-24. Review status: no assertion criteria provided. Collection method: clinical testing. Allele origin: unknown. Not counted in ClinVar's aggregate classification.

Literature cited by the submitters: PubMed 12874454 (cited by Counsyl).

NM_138694.4(PKHD1):c.5342C>T (p.Thr1781Ile)

Gene: PKHD1 (PKHD1 ciliary IPT domain containing fibrocystin/polyductin; minus strand). Cytogenetic location: 6p12.2.
Variant type: single nucleotide variant.
Coding change: c.5342C>T on transcript NM_138694.4 (MANE Select); coding-DNA position 5342, C replaced by T.
Protein change: p.Thr1781Ile; replaces threonine 1781 with isoleucine.
Molecular consequence: missense variant.
Genome position (GRCh38, 1-based): chr6:52,022,839, G>A on the plus strand (C>T on the coding strand, the complement: PKHD1 is on the minus strand). VCF-style: chr6-52022839-G-A. GRCh37 (hg19) VCF-style: chr6-51887637-G-A.
Other names: c.5342C>T, p.Thr1781Ile (NM_170724.3); short protein forms T1781I.
Identifiers: ClinVar variation 552167 (VCV000552167.8), dbSNP rs1554197025, ClinGen allele CA364427529.